The following is an entry in ClinVar:

ClinVar aggregate classification (germline): Uncertain significance (1 of 4 stars; one submission).

Submission:

Labcorp Genetics (formerly Invitae), Labcorp
Classification: Uncertain significance. Last evaluated: 2025-11-18. Review status: criteria provided, single submitter. Criteria: Invitae Variant Classification Sherloc (09022015). Collection method: clinical testing. Allele origin: germline.
Comment: This sequence change replaces aspartic acid, which is acidic and polar, with asparagine, which is neutral and polar, at codon 370 of the ZNF469 protein (p.Asp370Asn). This variant is not present in population databases (gnomAD no frequency). This variant has not been reported in the literature in individuals affected with ZNF469-related conditions. An algorithm developed to predict the effect of missense changes on protein structure and function (PolyPhen-2) suggests that this variant is likely to be tolerated. In summary, the available evidence is currently insufficient to determine the role of this variant in disease. Therefore, it has been classified as a Variant of Uncertain Significance.

NM_001367624.2(ZNF469):c.1108G>A (p.Asp370Asn)

Gene: ZNF469 (zinc finger protein 469; plus strand). Cytogenetic location: 16q24.2.
Variant type: single nucleotide variant.
Coding change: c.1108G>A on transcript NM_001367624.2 (MANE Select); coding-DNA position 1108, G replaced by A.
Protein change: p.Asp370Asn; replaces aspartic acid 370 with asparagine.
Molecular consequence: missense variant.
Genome position (GRCh38, 1-based): chr16:88,428,578, G>A. VCF-style: chr16-88428578-G-A. GRCh37 (hg19) VCF-style: chr16-88494986-G-A.
Other names: short protein forms D370N.
Identifiers: ClinVar variation 4760670 (VCV004760670.1).